The following is an entry in ClinVar:

NM_138694.4(PKHD1):c.327A>G (p.Ala109=)

Gene: PKHD1 (PKHD1 ciliary IPT domain containing fibrocystin/polyductin; minus strand). Cytogenetic location: 6p12.2.
Variant type: single nucleotide variant.
Coding change: c.327A>G on transcript NM_138694.4 (MANE Select); coding-DNA position 327, A replaced by G.
Protein change: p.Ala109=; no amino-acid change (alanine 109 retained).
Molecular consequence: synonymous variant.
Genome position (GRCh38, 1-based): chr6:52,079,963, T>C on the plus strand (A>G on the coding strand, the complement: PKHD1 is on the minus strand). VCF-style: chr6-52079963-T-C. GRCh37 (hg19) VCF-style: chr6-51944761-T-C.
Other names: c.327A>G, p.Ala109= (NM_170724.3).
Identifiers: ClinVar variation 4992108 (VCV004992108.1).

ClinVar aggregate classification (germline): Likely benign (1 of 4 stars; one submission).

Conditions:
PKHD1-related disorder. Also called: PKHD1-related condition.

gnomAD v4.1: 2 of 1,612,480 alleles (0.00012%); highest among the groups gnomAD compares: Non-Finnish European, 0.00017%; no homozygotes.

Submission:

PreventionGenetics, part of Exact Sciences
Classification: Likely benign for PKHD1-related condition. Last evaluated: 2026-06-17. Review status: criteria provided, single submitter. Criteria: ACMG Guidelines, 2015. Collection method: clinical testing. Allele origin: germline.
Comment: This variant is classified as likely benign based on ACMG/AMP sequence variant interpretation guidelines (Richards et al. 2015 PMID: 25741868, with internal and published modifications).